The following is an entry in ClinVar:

NM_024312.5(GNPTAB):c.3335+1G>A

Gene: GNPTAB (N-acetylglucosamine-1-phosphate transferase subunits alpha and beta; minus strand). Cytogenetic location: 12q23.2.
Variant type: single nucleotide variant.
Coding change: c.3335+1G>A on transcript NM_024312.5 (MANE Select); the canonical splice donor site of the intron after coding-DNA position 3335, G replaced by A.
Molecular consequence: splice donor variant.
Genome position (GRCh38, 1-based): chr12:101,757,571, C>T on the plus strand (G>A on the coding strand, the complement: GNPTAB is on the minus strand). VCF-style: chr12-101757571-C-T. GRCh37 (hg19) VCF-style: chr12-102151349-C-T.
Other names: IVS17DS, G-A, +1; AY687932:c.3335+1G>A.
Identifiers: ClinVar variation 2772 (VCV000002772.23), dbSNP rs34940801, ClinGen allele CA340017.

ClinVar aggregate classification (germline): Pathogenic/Likely pathogenic. Review status: criteria provided, multiple submitters, no conflicts (2 of 4 stars). 12 submissions from 11 submitters: Pathogenic (9); Likely pathogenic (1). 2 of the submissions do not count toward it. Last evaluated 2026-07-07.

Conditions:
GNPTAB-Related Disorders. Also called: GNPTAB-related condition; GNPTAB-related disorder. Identifiers: MedGen CN381523.
Mucolipidosis. Also called: Mucolipidoses. Identifiers: Orphanet 79212, MedGen C0026697, MONDO:0019248.
Mucolipidosis type II. Also called: ML II ALPHA/BETA; Mucolipidosis 2; ML 2; Inclusion cell disease; Leroy Disease; N-acetylglucosamine 1phosphotransferase deficiency. Identifiers: Orphanet 576, MedGen C2673377, MONDO:0009650, OMIM 252500.
Pseudo-Hurler polydystrophy. Also called: ML III; ML III ALPHA/BETA; MUCOLIPIDOSIS IIIA; ML IIIA; Type III Mucolipidosis; Mucolipidosis III Alpha/Beta. Identifiers: Orphanet 423461, Orphanet 577, MedGen C0033788, MONDO:0018931, OMIM 252600.

Allele frequency attached by ClinVar (database versions not stated): gnomAD 0.00001; gnomAD exomes 0.00001 and 0.00003; ExAC 0.00005; 1000 Genomes Project 30x 0.00031; 1000 Genomes Project 0.00040.

Submissions (12):

Kasturba Medical College, Manipal, Kasturba Medical College, Manipal, Manipal Academy of Higher Education, Manipal, India
Classification: Likely pathogenic for Mucolipidosis type II. Last evaluated: 2026-07-07. Review status: criteria provided, single submitter. Criteria: ACMG Guidelines, 2015. Collection method: research. Allele origin: unknown. Inheritance: Autosomal recessive inheritance. Affected: yes. Observed: 1 variant allele, 1 heterozygote.
Comment: The known canonical splice-site variant, g.101757571C>T (NM_024312.5: c.3335+1G>A) was observed in intron 17 of GNPTAB in heterozygous state in the proband (Pasumarthi D et al., 2020).The variant is absent in the mother. This variant is present in 18 individuals in heterozygous state and absent in homozygous state in the population database gnomAD (v4.1.0). This variant is present in two individuals in heterozygous state and absent in homozygous state in our in-house database of 4303 exomes. Ten submitters in ClinVar database have reported the same variant as pathogenic (Clinvar Accession ID: VCV000002772.21).

Labcorp Genetics (formerly Invitae), Labcorp
Classification: Pathogenic for Pseudo-Hurler polydystrophy; Mucolipidosis type II. Last evaluated: 2026-01-05. Review status: criteria provided, single submitter. Criteria: Invitae Variant Classification Sherloc (09022015). Collection method: clinical testing. Allele origin: germline.
Comment: This sequence change affects a donor splice site in intron 17 of the GNPTAB gene. It is expected to disrupt RNA splicing. Variants that disrupt the donor or acceptor splice site typically lead to a loss of protein function (PMID: 16199547), and loss-of-function variants in GNPTAB are known to be pathogenic (PMID: 19617216, 25107912). This variant is present in population databases (rs34940801, gnomAD 0.03%). Disruption of this splice site has been observed in individuals with clinical features of GNPTAB-related conditions (PMID: 16465621, 32651481). This variant is also known as IVS17+1G>A. ClinVar contains an entry for this variant (Variation ID: 2772). Algorithms developed to predict the effect of sequence changes on RNA splicing suggest that this variant may disrupt the consensus splice site. For these reasons, this variant has been classified as Pathogenic.

Natera, Inc.
Classification: Pathogenic for Mucolipidosis type II. Last evaluated: 2024-09-25. Review status: criteria provided, single submitter. Criteria: Natera Variant Classification Schema (03/2026). Collection method: clinical testing. Allele origin: germline.
Comment: The c.3335+1G>A variant in GNPTAB is a canonical splice donor site variant predicted to affect pre-mRNA splicing, which may result in an abnormal transcript and altered protein product. This variant is expected to result in nonsense mediated decay, truncation, or a dysfunctional protein product. This variant is rare in the general population with a frequency below the threshold expected for the associated phenotype(s). This variant has been observed in one or more individuals affected with the associated recessive disease, as either homozygous or compound heterozygous with a second variant (PMID: 30105123, 16465621). Given the available evidence, this variant is classified as Pathogenic.

Neuberg Centre For Genomic Medicine, NCGM
Classification: Pathogenic for Pseudo-Hurler polydystrophy. Last evaluated: 2024-02-01. Review status: criteria provided, single submitter. Criteria: ACMG Guidelines, 2015. Collection method: clinical testing. Allele origin: germline. Inheritance: Autosomal recessive inheritance. Affected: yes.
Comment: The observed splice donor c.3335+1G>A variant in GNPTAB gene has been reported previously in homozygous or compound heterozygous state in individuals affected with Mucolipidosis Type II and Type III (Pasumarthi D et al., 2020). This variant is reported with the allele frequency of 0.0032% in the gnomAD Exomes. The variant affects the GT donor splice site downstream of exon 16. The spliceAI tool predicts that this splice site variant is damaging. This variant has been reported Pathogenic in ClinVar database. The spliceAI tool predicts that this splice site variant is damaging. For these reasons, this variant has been classified as Pathogenic.

Revvity Omics, Revvity
Classification: Pathogenic. Last evaluated: 2023-09-20. Review status: criteria provided, single submitter. Criteria: ACMG Guidelines, 2015. Collection method: clinical testing. Allele origin: germline.

Neuberg Centre For Genomic Medicine, NCGM
Classification: Pathogenic for Mucolipidosis type II. Last evaluated: 2023-07-22. Review status: criteria provided, single submitter. Criteria: ACMG Guidelines, 2015. Collection method: clinical testing. Allele origin: germline. Inheritance: Autosomal recessive inheritance. Affected: yes.
Comment: The invariant splice donor site c.3335+1G>A variant in the GNPTAB gene has been observed in individuals in homozygous/ heterozygous state affected with Mucolipidosis Type II. Experimental studies have shown that this variant disrupts mRNA splicing Kudo et al., 2006; Costain et al., 2019. This variant is reported with an allele frequency 0.003% in the gnomAD. It has been submitted in the ClinVar database as Pathogenic multiple submissions. Loss of function variants have been previously reported to be disease-causing. For these reasons, this variant has been classified as Pathogenic.

Foundation for Research in Genetics and Endocrinology, FRIGE's Institute of Human Genetics
Classification: Pathogenic for Mucolipidosis type II. Last evaluated: 2023-04-13. Review status: criteria provided, single submitter. Criteria: ACMG Guidelines, 2015. Collection method: clinical testing. Allele origin: germline. Inheritance: Autosomal recessive inheritance. Affected: yes. Observed: 1 homozygote.
Comment: A Homozygous missense variation in intron 17 of the GNPTAB gene was detected. The observed variant c.3335+1G>A has not been reported in the 1000 genomes and has a MAF of 0.0032% in gnomAD databases. The in silico prediction of the variant are possibly damaging by MutationTaster2. The reference codon is conserved across species. In summary, the variant meets our criteria to be classified as pathogenic.

Fulgent Genetics
Classification: Pathogenic for Mucolipidosis type II; Pseudo-Hurler polydystrophy. Last evaluated: 2022-04-22. Review status: criteria provided, single submitter. Criteria: ACMG Guidelines, 2015. Collection method: clinical testing. Allele origin: unknown.

Women's Health and Genetics/Laboratory Corporation of America, LabCorp
Classification: Pathogenic for Mucolipidosis. Last evaluated: 2021-03-05. Review status: criteria provided, single submitter. Criteria: LabCorp Variant Classification Summary - May 2015. Collection method: clinical testing. Allele origin: germline.
Comment: Variant summary: GNPTAB c.3335+1G>A is located in a canonical splice-site and is predicted to affect mRNA splicing resulting in a significantly altered protein due to either exon skipping, shortening, or inclusion of intronic material. Several computational tools predict a significant impact on normal splicing: Four predict the variant abolishes a 5' splicing donor site. However, these predictions have yet to be confirmed by functional studies. The variant allele was found at a frequency of 3.2e-05 in 251176 control chromosomes. c.3335+1G>A has been reported in the literature in multiple individuals affected with Mucolipidosis supported by markedly elevated total serum hexosaminidase enzyme activity (example, Tiede_2005, Costain_2018, Pasumurthi_2020). These data indicate that the variant is very likely to be associated with disease. To our knowledge, no experimental evidence demonstrating an impact on protein function has been reported. No clinical diagnostic laboratories have submitted clinical-significance assessments for this variant to ClinVar after 2014. Based on the evidence outlined above, the variant was classified as pathogenic.

Blueprint Genetics
Classification: Pathogenic for GNPTAB-related disorders. Last evaluated: 2020-03-10. Review status: criteria provided, single submitter. Criteria: ACMG Guidelines, 2015. Collection method: clinical testing. Allele origin: germline. Affected: yes. Observed: 3 variant alleles.

GeneReviews
Classification: Pathogenic for Mucolipidosis III Alpha/Beta. Last evaluated: 2012-05-10. Review status: no assertion criteria provided. Collection method: curation. Allele origin: unknown. Not counted in ClinVar's aggregate classification.
ClinVar note: Converted during submission from pathologic to Pathogenic.

OMIM
Classification: Pathogenic for MUCOLIPIDOSIS II ALPHA/BETA. Last evaluated: 2006-03-01. Review status: no assertion criteria provided. Collection method: literature only. Allele origin: germline. Not counted in ClinVar's aggregate classification.

Literature cited by the submitters: PubMed 32651481 (cited by 3 submitters); PubMed 16199547 (cited by Labcorp Genetics (formerly Invitae), Labcorp); PubMed 19617216 (cited by Labcorp Genetics (formerly Invitae), Labcorp); PubMed 25107912 (cited by Labcorp Genetics (formerly Invitae), Labcorp); PubMed 16465621 (cited by 3 submitters); PubMed 30105123 (cited by Natera, Inc. and Women's Health and Genetics/Laboratory Corporation of America, LabCorp); PubMed 16200072 (cited by Women's Health and Genetics/Laboratory Corporation of America, LabCorp); PubMed 31934135 (cited by Women's Health and Genetics/Laboratory Corporation of America, LabCorp).